The following is an entry in ClinVar:

ClinVar aggregate classification (germline): Uncertain significance (1 of 4 stars; one submission).

gnomAD v4.1: 2 of 1,209,422 alleles (0.00017%); highest among the groups gnomAD compares: Non-Finnish European, 0.00022%; no homozygotes.

Submission:

Women's Health and Genetics/Laboratory Corporation of America, LabCorp
Classification: Uncertain significance. Last evaluated: 2025-10-13. Review status: criteria provided, single submitter. Criteria: LabCorp Variant Classification Summary - May 2015. Collection method: clinical testing. Allele origin: germline.
Comment: Variant summary: USP9X c.6124A>G (p.Met2042Val) results in a conservative amino acid change in the encoded protein sequence. Algorithms developed to predict the effect of missense changes on protein structure and function are either unavailable or do not agree on the potential impact of this missense change. The variant allele was found at a frequency of 1.7e-06 in 1209422 control chromosomes in the gnomAD database, including 1 hemizygote. The available data on variant occurrences in the general population are insufficient to allow any conclusion about variant significance. To our knowledge, no occurrence of c.6124A>G in individuals affected with USP9X-related conditions and no experimental evidence demonstrating its impact on protein function have been reported. No submitters have cited clinical-significance assessments for this variant to ClinVar. Based on the evidence outlined above, the variant was classified as VUS-possibly benign.

NM_001039591.3(USP9X):c.6124A>G (p.Met2042Val)

Gene: USP9X (ubiquitin specific peptidase 9 X-linked; plus strand). Cytogenetic location: Xp11.4.
Variant type: single nucleotide variant.
Coding change: c.6124A>G on transcript NM_001039591.3 (MANE Select); coding-DNA position 6124, A replaced by G.
Protein change: p.Met2042Val; replaces methionine 2042 with valine.
Molecular consequence: missense variant.
Genome position (GRCh38, 1-based): chrX:41,217,258, A>G. VCF-style: chrX-41217258-A-G. GRCh37 (hg19) VCF-style: chrX-41076511-A-G.
Other names: c.6124A>G, p.Met2042Val (NM_001039590.3); c.6139A>G, p.Met2047Val (NM_001410748.1, NM_001410749.1, NM_001437534.1); short protein forms M2042V, M2047V.
Identifiers: ClinVar variation 4687326 (VCV004687326.1).